The following is an entry in ClinVar:

NM_005444.3(CNOT9):c.392C>T (p.Pro131Leu)

Gene: CNOT9 (CCR4-NOT transcription complex subunit 9; plus strand). Cytogenetic location: 2q35.
Variant type: single nucleotide variant.
Coding change: c.392C>T on transcript NM_005444.3 (MANE Select); coding-DNA position 392, C replaced by T.
Protein change: p.Pro131Leu; replaces proline 131 with leucine.
Molecular consequence: missense variant.
Genome position (GRCh38, 1-based): chr2:218,584,683, C>T. VCF-style: chr2-218584683-C-T. GRCh37 (hg19) VCF-style: chr2-219449406-C-T.
Other names: c.392C>T, p.Pro131Leu (NM_001271634.2, NM_001271635.2); short protein forms P131L.
Identifiers: ClinVar variation 74445 (VCV000074445.2), dbSNP rs267599211, ClinGen allele CA16602256.

ClinVar aggregate classification (germline): Likely pathogenic (1 of 4 stars; one submission).

Conditions:
CNOT9-associated neurodevelopmental disorder.

Submission:

Institute of Human Genetics, University of Leipzig Medical Center
Classification: Likely pathogenic for CNOT9-associated neurodevelopmental disorder. Last evaluated: 2022-09-28. Review status: criteria provided, single submitter. Criteria: ACMG Guidelines, 2015. Collection method: clinical testing. Allele origin: de novo. Affected: yes. Observed: 1 variant allele.
Comment: PS2_MOD, PM1, PM2_SUP, PP2, PP3, PS3_SUP